The following is an entry in ClinVar:

ClinVar aggregate classification (germline): Uncertain significance. Review status: criteria provided, multiple submitters, no conflicts (2 of 4 stars). 2 submissions from 2 submitters: Uncertain significance (2). Last evaluated 2024-06-15.

Conditions:
Epilepsy, childhood absence, susceptibility to, 5. Identifiers: Orphanet 64280, MedGen C2677087, MONDO:0012843, OMIM 612269.
Epilepsy, childhood absence, susceptibility to, 1. Also called: Epilepsy, childhood absence 1. Identifiers: Orphanet 64280, MedGen C1838604, MONDO:0020759, OMIM 600131.
Inborn genetic diseases. Identifiers: MedGen C0950123, MeSH D030342.

Allele frequency attached by ClinVar (database versions not stated): gnomAD exomes below 0.00001; ExAC 0.00001; gnomAD 0.00001; TOPMed 0.00001.
gnomAD v4.1: 10 of 1,614,032 alleles (0.00062%); highest among the groups gnomAD compares: African/African-American, 0.004%; no homozygotes.

Submissions (2):

Labcorp Genetics (formerly Invitae), Labcorp
Classification: Uncertain significance for Epilepsy, childhood absence, susceptibility to, 5; Epilepsy, childhood absence, susceptibility to, 1. Last evaluated: 2024-06-15. Review status: criteria provided, single submitter. Criteria: Invitae Variant Classification Sherloc (09022015). Collection method: clinical testing. Allele origin: germline.
Comment: This sequence change replaces valine, which is neutral and non-polar, with methionine, which is neutral and non-polar, at codon 214 of the GABRB3 protein (p.Val214Met). This variant is present in population databases (rs761554616, gnomAD 0.003%). This variant has not been reported in the literature in individuals affected with GABRB3-related conditions. ClinVar contains an entry for this variant (Variation ID: 581500). Advanced modeling of protein sequence and biophysical properties (such as structural, functional, and spatial information, amino acid conservation, physicochemical variation, residue mobility, and thermodynamic stability) has been performed at Invitae for this missense variant, however the output from this modeling did not meet the statistical confidence thresholds required to predict the impact of this variant on GABRB3 protein function. In summary, the available evidence is currently insufficient to determine the role of this variant in disease. Therefore, it has been classified as a Variant of Uncertain Significance.

Ambry Genetics
Classification: Uncertain significance for Inborn genetic diseases. Last evaluated: 2018-08-22. Review status: criteria provided, single submitter. Criteria: Ambry Variant Classification Scheme 2023. Collection method: clinical testing. Allele origin: germline.
Comment: The p.V214M variant (also known as c.640G>A), located in coding exon 6 of the GABRB3 gene, results from a G to A substitution at nucleotide position 640. The valine at codon 214 is replaced by methionine, an amino acid with highly similar properties. This amino acid position is well conserved in available vertebrate species; however, methionine is the reference amino acid in other vertebrate species. In addition, this alteration is predicted to be tolerated by in silico analysis. Since supporting evidence is limited at this time, the clinical significance of this alteration remains unclear.

NM_000814.6(GABRB3):c.640G>A (p.Val214Met)

Gene: GABRB3 (gamma-aminobutyric acid type A receptor subunit beta3; minus strand). Cytogenetic location: 15q12.
Variant type: single nucleotide variant.
Coding change: c.640G>A on transcript NM_000814.6 (MANE Select); coding-DNA position 640, G replaced by A.
Protein change: p.Val214Met; replaces valine 214 with methionine.
Molecular consequence: missense variant.
Genome position (GRCh38, 1-based): chr15:26,580,361, C>T on the plus strand (G>A on the coding strand, the complement: GABRB3 is on the minus strand). VCF-style: chr15-26580361-C-T. GRCh37 (hg19) VCF-style: chr15-26825508-C-T.
Other names: c.385G>A, p.Val129Met (NM_001191320.2, NM_001278631.2); c.427G>A, p.Val143Met (NM_001191321.3); c.640G>A, p.Val214Met (NM_021912.5); short protein forms V214M, V143M, V129M.
Identifiers: ClinVar variation 581500 (VCV000581500.10), dbSNP rs761554616, ClinGen allele CA7437394.
Genomic context (GRCh38, chr15:26,580,361, plus strand): 5'-AGTGGATGCAGGACTCACCTGTGGCGAAGACAACATTCCTCGAGACCAGACGGTGCTCCA[C>T]GATGGAGAACTGCGGGAGCTCAATCCTTTCCACTCCGGTAACAGCCTTGTCCCCGCCTCG-3'
Protein context (NP_000805.1, residues 204-224): ERIELPQFSI[Val214Met]EHRLVSRNVV